The following is an entry in ClinVar:

ClinVar aggregate classification (germline): Likely pathogenic (1 of 4 stars; one submission).

Conditions:
Niemann-Pick disease, type A. Also called: SPHINGOMYELIN LIPIDOSIS; SPHINGOMYELINASE DEFICIENCY; Infantile Neurovisceral ASMD (Niemann-Pick Disease Type A; NPD-A). Identifiers: Orphanet 77292, MedGen C0268242, MONDO:0009756, OMIM 257200. Disease mechanism: loss of function.
Niemann-Pick disease, type B. Also called: Chronic Visceral ASMD (Niemann-Pick Disease Type B; NPD-B). Identifiers: Orphanet 77293, MedGen C0268243, MONDO:0011871, OMIM 607616. Disease mechanism: loss of function.

Submission:

Labcorp Genetics (formerly Invitae), Labcorp
Classification: Likely pathogenic for Niemann-Pick disease, type B; Niemann-Pick disease, type A. Last evaluated: 2021-10-14. Review status: criteria provided, single submitter. Criteria: Invitae Variant Classification Sherloc (09022015). Collection method: clinical testing. Allele origin: germline.
Comment: This variant has not been reported in the literature in individuals affected with SMPD1-related conditions. Advanced modeling of protein sequence and biophysical properties (such as structural, functional, and spatial information, amino acid conservation, physicochemical variation, residue mobility, and thermodynamic stability) performed at Invitae indicates that this missense variant is expected to disrupt SMPD1 protein function. This variant is not present in population databases (ExAC no frequency). This sequence change replaces leucine with valine at codon 304 of the SMPD1 protein (p.Leu304Val). The leucine residue is highly conserved and there is a small physicochemical difference between leucine and valine. In summary, the currently available evidence indicates that the variant is pathogenic, but additional data are needed to prove that conclusively. Therefore, this variant has been classified as Likely Pathogenic. This variant disrupts the p.Leu304 amino acid residue in SMPD1. Other variant(s) that disrupt this residue have been determined to be pathogenic (PMID: 1391960, 8401540, 10464620, 26169695). This suggests that this residue is clinically significant, and that variants that disrupt this residue are likely to be disease-causing. Algorithms developed to predict the effect of sequence changes on RNA splicing suggest that this variant may create or strengthen a splice site.

Literature cited by the submitters: PubMed 1391960; PubMed 8401540; PubMed 10464620; PubMed 26169695.

NM_000543.5(SMPD1):c.910C>G (p.Leu304Val)

Gene: SMPD1 (sphingomyelin phosphodiesterase 1; plus strand). Cytogenetic location: 11p15.4.
Variant type: single nucleotide variant.
Coding change: c.910C>G on transcript NM_000543.5 (MANE Select); coding-DNA position 910, C replaced by G.
Protein change: p.Leu304Val; replaces leucine 304 with valine.
Molecular consequence: missense variant. On other transcripts: 5 prime UTR variant (1), non-coding transcript variant (1).
Genome position (GRCh38, 1-based): chr11:6,391,975, C>G. VCF-style: chr11-6391975-C-G. GRCh37 (hg19) VCF-style: chr11-6413205-C-G.
Other names: c.907C>G, p.Leu303Val (NM_001007593.3); c.910C>G, p.Leu304Val (NM_001318087.2, NM_001365135.2); c.-52C>G (NM_001318088.2); short protein forms L304V, L303V.
Identifiers: ClinVar variation 1488811 (VCV001488811.6), dbSNP rs2134012389, ClinGen allele CA379371260.